The following is an entry in ClinVar:

ClinVar aggregate classification (germline): Likely pathogenic. Review status: criteria provided, multiple submitters, no conflicts (2 of 4 stars). 2 submissions from 2 submitters: Likely pathogenic (2). Last evaluated 2026-06-01.

Conditions:
Autosomal recessive limb-girdle muscular dystrophy type 2J (LGMDR10). Also called: Limb-girdle muscular dystrophy, type 2J; MUSCULAR DYSTROPHY, LIMB-GIRDLE, AUTOSOMAL RECESSIVE 10. Identifiers: Orphanet 140922, MedGen C1837342, MONDO:0012127, OMIM 608807.
Dilated cardiomyopathy 1G (CMD1G). Identifiers: Orphanet 154, MedGen C1858763, MONDO:0011400, OMIM 604145.

Submissions (2):

CeGaT Center for Human Genetics Tuebingen
Classification: Likely pathogenic. Last evaluated: 2026-06-01. Review status: criteria provided, single submitter. Criteria: CeGaT Center For Human Genetics Tuebingen Variant Classification Criteria Version 2. Collection method: clinical testing. Allele origin: germline. Affected: yes. Observed: 1 variant allele.
Comment: TTN: PVS1:Strong, PM2

Labcorp Genetics (formerly Invitae), Labcorp
Classification: Likely pathogenic for Dilated cardiomyopathy 1G; Autosomal recessive limb-girdle muscular dystrophy type 2J. Last evaluated: 2025-02-02. Review status: criteria provided, single submitter. Criteria: Invitae Variant Classification Sherloc (09022015). Collection method: clinical testing. Allele origin: germline.
Comment: This sequence change creates a premature translational stop signal (p.Gly14831Trpfs*24) in the TTN gene. While this is not anticipated to result in nonsense mediated decay, it is expected to create a truncated TTN protein. This variant is not present in population databases (gnomAD no frequency). This variant has not been reported in the literature in individuals affected with TTN-related conditions. This variant is located in the I band of TTN (PMID: 25589632). Truncating variants in this region have been reported in individuals affected with autosomal recessive centronuclear myopathy (PMID: 23975875, internal data). Truncating variants in this region have also been identified in individuals affected with autosomal dominant dilated cardiomyopathy and/or cardio-related conditions (PMID: 27869827, 32964742, internal data). In summary, the currently available evidence indicates that the variant is pathogenic, but additional data are needed to prove that conclusively. Therefore, this variant has been classified as Likely Pathogenic.

Literature cited by the submitters: PubMed 25589632 (cited by Labcorp Genetics (formerly Invitae), Labcorp); PubMed 23975875 (cited by Labcorp Genetics (formerly Invitae), Labcorp); PubMed 27869827 (cited by Labcorp Genetics (formerly Invitae), Labcorp); PubMed 32964742 (cited by Labcorp Genetics (formerly Invitae), Labcorp).

NM_001267550.2(TTN):c.44490dup (p.Gly14831fs)

Gene: TTN (titin; minus strand). Cytogenetic location: 2q31.2.
Variant type: Duplication.
Coding change: c.44490dup on transcript NM_001267550.2 (MANE Select); coding-DNA position 44490, one base duplicated (T; older notation c.44490dupT).
Protein change: p.Gly14831fs; shifts the reading frame from glycine 14831.
Molecular consequence: frameshift variant.
Genome position (GRCh38, 1-based): chr2:178,625,331, A duplicated on the plus strand (T on the coding strand, the reverse complement: TTN is on the minus strand). VCF-style (leftmost placement, unchanged base first): chr2-178625330-C-CA. GRCh37 (hg19) VCF-style: chr2-179490057-C-CA.
Other names: c.17295dup, p.Gly5766fs (NM_003319.4); c.36786dup, p.Gly12263fs (NM_133378.4); c.17670dup, p.Gly5891fs (NM_133432.3); c.17871dup, p.Gly5958fs (NM_133437.4); c.39567dup, p.Gly13190fs (NM_001256850.1); short protein forms G12263fs, G13190fs, G14831fs, G5766fs, G5891fs, G5958fs.
Identifiers: ClinVar variation 3762704 (VCV003762704.4).
Genomic context (GRCh38, chr2:178,625,330, plus strand): 5'-TACCTTTCACAAAGAGGTTGGCGTGAGTTTTGAAATCTTTTGCTGTTAGTTGGACTTCCC[C>CA]AGCATCTTCTAACTTTACATCCCTCAGAGTAAGTGTATGAACTTTTCCTTCTGAACGTGG-3'